The following is an entry in ClinVar:

ClinVar aggregate classification (germline): Likely benign. Review status: criteria provided, multiple submitters, no conflicts (2 of 4 stars). 2 submissions from 2 submitters: Likely benign (2). Last evaluated 2026-02-20.

Conditions:
KMT2D-related disorder. Also called: KMT2D-Related Disorders.
Kabuki syndrome. Also called: NIIKAWA-KUROKI SYNDROME; Kabuki make-up syndrome. Identifiers: Orphanet 2322, MedGen C0796004, MONDO:0016512.

gnomAD v4.1: 1 of 1,611,094 alleles (0.000062%); highest among the groups gnomAD compares: Non-Finnish European, 0.000085%; no homozygotes.

Submissions (2):

PreventionGenetics, part of Exact Sciences
Classification: Likely benign for KMT2D-related condition. Last evaluated: 2026-02-20. Review status: criteria provided, single submitter. Criteria: ACMG Guidelines, 2015. Collection method: clinical testing. Allele origin: germline.
Comment: This variant is classified as likely benign based on ACMG/AMP sequence variant interpretation guidelines (Richards et al. 2015 PMID: 25741868, with internal and published modifications).

Labcorp Genetics (formerly Invitae), Labcorp
Classification: Likely benign for Kabuki syndrome. Last evaluated: 2025-12-11. Review status: criteria provided, single submitter. Criteria: Invitae Variant Classification Sherloc (09022015). Collection method: clinical testing. Allele origin: germline.

NM_003482.4(KMT2D):c.8166T>C (p.Ala2722=)

Gene: KMT2D (lysine methyltransferase 2D; minus strand). Cytogenetic location: 12q13.12.
Variant type: single nucleotide variant.
Coding change: c.8166T>C on transcript NM_003482.4 (MANE Select); coding-DNA position 8166, T replaced by C.
Protein change: p.Ala2722=; no amino-acid change (alanine 2722 retained).
Molecular consequence: synonymous variant.
Genome position (GRCh38, 1-based): chr12:49,039,498, A>G on the plus strand (T>C on the coding strand, the complement: KMT2D is on the minus strand). VCF-style: chr12-49039498-A-G. GRCh37 (hg19) VCF-style: chr12-49433281-A-G.
Identifiers: ClinVar variation 4692680 (VCV004692680.2).